The following is an entry in ClinVar:

NM_022340.4(RBSN):c.1577G>A (p.Arg526His)

Gene: RBSN (rabenosyn, RAB effector; minus strand). Cytogenetic location: 3p25.1.
Variant type: single nucleotide variant.
Coding change: c.1577G>A on transcript NM_022340.4 (MANE Select); coding-DNA position 1577, G replaced by A.
Protein change: p.Arg526His; replaces arginine 526 with histidine.
Molecular consequence: missense variant.
Genome position (GRCh38, 1-based): chr3:15,074,560, C>T on the plus strand (G>A on the coding strand, the complement: RBSN is on the minus strand). VCF-style: chr3-15074560-C-T. GRCh37 (hg19) VCF-style: chr3-15116067-C-T.
Other names: c.1577G>A, p.Arg526His (NM_001302378.2); short protein forms R526H.
Identifiers: ClinVar variation 2635054 (VCV002635054.1), dbSNP rs1444790136, ClinGen allele CA351582531.
Genomic context (GRCh38, chr3:15,074,560, plus strand): 5'-GTCCGTGTGTGCAGGGATGCCACCCGAAACTGCTCCCTTTCTCGTTCCAACTCCCGTTCA[C>T]GCAACATCTGCAGCTGTTCCCGCTGCAGGTCCTCCTCCTCAGCCTGCCTCCGGGACAGCT-3'
Protein context (NP_071735.2, residues 516-536): DLQREQLQML[Arg526His]ERELEREREQ

ClinVar aggregate classification (germline): Uncertain significance (1 of 4 stars; one submission).

Conditions:
RBSN-related disorder. Also called: RBSN-related condition.

Allele frequency attached by ClinVar (database versions not stated): gnomAD 0.00001; gnomAD exomes 0.00001; TOPMed 0.00003.

Submission:

PreventionGenetics, part of Exact Sciences
Classification: Uncertain significance for RBSN-related condition. Last evaluated: 2022-12-26. Review status: criteria provided, single submitter. Criteria: ACMG Guidelines, 2015. Collection method: clinical testing. Allele origin: germline.
Comment: The RBSN c.1577G>A variant is predicted to result in the amino acid substitution p.Arg526His. To our knowledge, this variant has not been reported in the literature or in a large population database, indicating this variant is rare. At this time, the clinical significance of this variant is uncertain due to the absence of conclusive functional and genetic evidence.